The following is an entry in ClinVar:

ClinVar aggregate classification (germline): Uncertain significance (1 of 4 stars; one submission).

gnomAD v4.1: 12 of 1,614,166 alleles (0.00074%); highest among the groups gnomAD compares: Admixed American, 0.0033%; no homozygotes.

Submission:

Labcorp Genetics (formerly Invitae), Labcorp
Classification: Uncertain significance. Last evaluated: 2025-08-15. Review status: criteria provided, single submitter. Criteria: Invitae Variant Classification Sherloc (09022015). Collection method: clinical testing. Allele origin: germline.
Comment: This sequence change replaces serine, which is neutral and polar, with asparagine, which is neutral and polar, at codon 218 of the RARS2 protein (p.Ser218Asn). This variant is present in population databases (no rsID available, gnomAD 0.006%). This variant has not been reported in the literature in individuals affected with RARS2-related conditions. ClinVar contains an entry for this variant (Variation ID: 2165703). Invitae Evidence Modeling of protein sequence and biophysical properties (such as structural, functional, and spatial information, amino acid conservation, physicochemical variation, residue mobility, and thermodynamic stability) indicates that this missense variant is not expected to disrupt RARS2 protein function with a negative predictive value of 95%. In summary, the available evidence is currently insufficient to determine the role of this variant in disease. Therefore, it has been classified as a Variant of Uncertain Significance.

NM_020320.5(RARS2):c.653G>A (p.Ser218Asn)

Gene: RARS2 (arginyl-tRNA synthetase 2, mitochondrial; minus strand). Cytogenetic location: 6q15.
Variant type: single nucleotide variant.
Coding change: c.653G>A on transcript NM_020320.5 (MANE Select); coding-DNA position 653, G replaced by A.
Protein change: p.Ser218Asn; replaces serine 218 with asparagine.
Molecular consequence: missense variant. On other transcripts: non-coding transcript variant (23).
Genome position (GRCh38, 1-based): chr6:87,530,902, C>T on the plus strand (G>A on the coding strand, the complement: RARS2 is on the minus strand). VCF-style: chr6-87530902-C-T. GRCh37 (hg19) VCF-style: chr6-88240620-C-T.
Other names: c.128G>A, p.Ser43Asn (NM_001318785.2, NM_001350506.2, NM_001350507.2 and 4 more transcripts); c.653G>A, p.Ser218Asn (NM_001350505.2); short protein forms S218N, S43N.
Identifiers: ClinVar variation 2165703 (VCV002165703.2), dbSNP rs1428008906, ClinGen allele CA364929713.